The following is an entry in ClinVar:

NM_007194.4(CHEK2):c.276del (p.Trp93fs)

Gene: CHEK2 (checkpoint kinase 2; minus strand). Cytogenetic location: 22q12.1.
Variant type: Deletion.
Coding change: c.276del on transcript NM_007194.4 (MANE Select); coding-DNA position 276, one base deleted (C; older notation c.276delC).
Protein change: p.Trp93fs; shifts the reading frame from tryptophan 93.
Molecular consequence: frameshift variant.
Genome position (GRCh38, 1-based): chr22:28,734,446, G deleted on the plus strand (C on the coding strand, the reverse complement: CHEK2 is on the minus strand); the first of 5 consecutive G bases (chr22:28,734,446-28,734,450); deleting any one gives the same sequence. VCF-style (leftmost placement, unchanged base first): chr22-28734445-AG-A. GRCh37 (hg19) VCF-style: chr22-29130433-AG-A.
Other names: c.276del (NM_007194.3); c.276delC (NM_007194.4); c.272delC, p.Trp93Glyfs (NM_001005735.3, NM_001349956.3, NM_145862.3); c.-506delC (NM_001257387.3); short protein forms W93fs.
Identifiers: ClinVar variation 410049 (VCV000410049.17), dbSNP rs876661156, ClinGen allele CA16616353.

ClinVar aggregate classification (germline): Pathogenic. Review status: criteria provided, multiple submitters, no conflicts (2 of 4 stars). 4 submissions from 4 submitters: Pathogenic (4). Last evaluated 2025-11-06.

Conditions:
Hereditary breast ovarian cancer syndrome. Also called: Hereditary breast and ovarian cancer; Hereditary breast and/or ovarian cancer syndrome; BRCA1- and BRCA2-Associated Hereditary Breast and Ovarian Cancer; Hereditary breast and ovarian cancer syndrome; Hereditary breast and ovarian cancer syndrome (HBOC); Breast and ovarian cancer. Identifiers: Orphanet 145, MedGen C0677776, MeSH D061325, MONDO:0003582. Disease mechanism: loss of function.
Familial cancer of breast. Also called: BREAST CANCER, FAMILIAL; Hereditary breast cancer; hereditary breast carcinoma. Identifiers: Orphanet 227535, MedGen C0346153, MONDO:0016419, OMIM 114480. Disease mechanism: loss of function.
Hereditary cancer-predisposing syndrome. Also called: Tumor predisposition; Hereditary Cancer Syndrome; Hereditary neoplastic syndrome; Neoplastic Syndromes, Hereditary. Identifiers: Orphanet 140162, MedGen C0027672, MeSH D009386, MONDO:0015356.

Submissions (4):

Women's Health and Genetics/Laboratory Corporation of America, LabCorp
Classification: Pathogenic for Hereditary breast ovarian cancer syndrome. Last evaluated: 2025-11-06. Review status: criteria provided, single submitter. Criteria: LabCorp Variant Classification Summary - May 2015. Collection method: clinical testing. Allele origin: germline.
Comment: Variant summary: CHEK2 c.276delC (p.Trp93GlyfsX17) results in a premature termination codon, predicted to cause a truncation of the encoded protein or absence of the protein due to nonsense mediated decay, which are commonly known mechanisms for disease. The variant was absent in 251224 control chromosomes. c.276delC has been observed in individual(s) affected with Hereditary Breast And Ovarian Cancer Syndrome (Kleiblova_2019). To our knowledge, no experimental evidence demonstrating an impact on protein function has been reported. The following publication has been ascertained in the context of this evaluation (PMID: 31050813). ClinVar contains an entry for this variant (Variation ID: 410049). Based on the evidence outlined above, the variant was classified as pathogenic.

Myriad Genetics, Inc.
Classification: Pathogenic for Familial cancer of breast. Last evaluated: 2023-06-23. Review status: criteria provided, single submitter. Criteria: Myriad Autosomal Dominant, Autosomal Recessive and X-Linked Classification Criteria (2023). Collection method: clinical testing. Allele origin: unknown.
Comment: This variant is considered pathogenic. This variant creates a frameshift predicted to result in premature protein truncation.

Ambry Genetics
Classification: Pathogenic for Hereditary cancer-predisposing syndrome. Last evaluated: 2023-01-27. Review status: criteria provided, single submitter. Criteria: Ambry Variant Classification Scheme 2023. Collection method: clinical testing. Allele origin: germline.
Comment: The c.276delC pathogenic mutation, located in coding exon 1 of the CHEK2 gene, results from a deletion of one nucleotide at nucleotide position 276, causing a translational frameshift with a predicted alternate stop codon (p.W93Gfs*17). This variant is considered to be rare based on population cohorts in the Genome Aggregation Database (gnomAD). This alteration is expected to result in loss of function by premature protein truncation or nonsense-mediated mRNA decay. As such, this alteration is interpreted as a disease-causing mutation.

Labcorp Genetics (formerly Invitae), Labcorp
Classification: Pathogenic for Familial cancer of breast. Last evaluated: 2022-08-25. Review status: criteria provided, single submitter. Criteria: Invitae Variant Classification Sherloc (09022015). Collection method: clinical testing. Allele origin: germline.
Comment: This sequence change creates a premature translational stop signal (p.Trp93Glyfs*17) in the CHEK2 gene. It is expected to result in an absent or disrupted protein product. Loss-of-function variants in CHEK2 are known to be pathogenic (PMID: 21876083, 24713400). For these reasons, this variant has been classified as Pathogenic. ClinVar contains an entry for this variant (Variation ID: 410049). This premature translational stop signal has been observed in individual(s) with breast cancer (PMID: 26681312, 26822949, 31050813). This variant is not present in population databases (gnomAD no frequency).

Literature cited by the submitters: PubMed 31050813 (cited by Women's Health and Genetics/Laboratory Corporation of America, LabCorp and Labcorp Genetics (formerly Invitae), Labcorp); PubMed 21876083 (cited by Labcorp Genetics (formerly Invitae), Labcorp); PubMed 24713400 (cited by Labcorp Genetics (formerly Invitae), Labcorp); PubMed 26681312 (cited by Labcorp Genetics (formerly Invitae), Labcorp); PubMed 26822949 (cited by Labcorp Genetics (formerly Invitae), Labcorp).